The following is an entry in ClinVar:

ClinVar aggregate classification (germline): Likely benign. Review status: criteria provided, single submitter (1 of 4 stars). 2 submissions from 2 submitters: Likely benign (1). 1 of the submissions does not count toward it. Last evaluated 2023-06-29.

Conditions:
CREBBP-related disorder. Also called: CREBBP-related disorders; CREBBP-related condition.
Rubinstein-Taybi syndrome (RSTS). Identifiers: Orphanet 783, MedGen C0035934, MONDO:0019188.

Allele frequency attached by ClinVar (database versions not stated): gnomAD 0.00001; gnomAD exomes 0.00002; TOPMed 0.00002.
gnomAD v4.1: 29 of 1,612,074 alleles (0.0018%); highest among the groups gnomAD compares: Non-Finnish European, 0.0023%; no homozygotes.

Submissions (2):

Labcorp Genetics (formerly Invitae), Labcorp
Classification: Likely benign for Rubinstein-Taybi syndrome. Last evaluated: 2023-06-29. Review status: criteria provided, single submitter. Criteria: Invitae Variant Classification Sherloc (09022015). Collection method: clinical testing. Allele origin: germline.

PreventionGenetics, part of Exact Sciences
Classification: Likely benign for CREBBP-related condition. Last evaluated: 2024-01-31. Review status: no assertion criteria provided. Collection method: clinical testing. Allele origin: germline. Not counted in ClinVar's aggregate classification.
Comment: This variant is classified as likely benign based on ACMG/AMP sequence variant interpretation guidelines (Richards et al. 2015 PMID: 25741868, with internal and published modifications).

NM_004380.3(CREBBP):c.976-4T>G

Gene: CREBBP (CREB binding lysine acetyltransferase; minus strand). Cytogenetic location: 16p13.3.
Variant type: single nucleotide variant.
Coding change: c.976-4T>G on transcript NM_004380.3 (MANE Select); 4 bases into the intron before coding-DNA position 976, T replaced by G.
Molecular consequence: intron variant.
Genome position (GRCh38, 1-based): chr16:3,793,630, A>C on the plus strand (T>G on the coding strand, the complement: CREBBP is on the minus strand). VCF-style: chr16-3793630-A-C. GRCh37 (hg19) VCF-style: chr16-3843631-A-C.
Other names: c.976-4T>G (NM_004380.2, NM_001079846.1).
Identifiers: ClinVar variation 2968205 (VCV002968205.4), dbSNP rs1352541284, ClinGen allele CA620714646.
Genomic context (GRCh38, chr16:3,793,630, plus strand): 5'-GGGGCCTGTTGCAATTGCTTGTGTGGGTACAATTCCCACTGATGTTTGCATCTGAGACTA[A>C]AATAAAGCAAAATAATAAAAATACTTTAACCTCTCAGAGTTCCAAGTCATATTCATTAAT-3'